The following is an entry in ClinVar:

ClinVar aggregate classification (germline): Uncertain significance (1 of 4 stars; one submission).

Submission:

GeneDx
Classification: Uncertain significance. Last evaluated: 2025-01-25. Review status: criteria provided, single submitter. Criteria: GeneDx Variant Classification Process June 2021. Collection method: clinical testing. Allele origin: germline. Affected: yes.
Comment: In-frame deletion of five amino acid(s) in a non-repeat region; In silico analysis does not support a benign or deleterious effect of this variant on protein structure/function; Has not been previously published as pathogenic or benign to our knowledge

NM_002235.5(KCNA6):c.778_792del (p.Thr260_Phe264del)

Genes: KCNA6 (potassium voltage-gated channel subfamily A member 6; plus strand), KCNA6-AS1 (KCNA6 antisense RNA 1; minus strand). Cytogenetic location: 12p13.32.
Variant type: Deletion.
Coding change: c.778_792del on transcript NM_002235.5 (MANE Select); coding-DNA positions 778 to 792, 15 bases deleted (ACAGACCCCTTCTTT).
Protein change: p.Thr260_Phe264del.
Molecular consequence: inframe deletion. On other transcripts: non-coding transcript variant (3).
Genome position (GRCh38, 1-based): chr12:4,810,819-4,810,833, ACAGACCCCTTCTTT deleted; deleting any 15 consecutive bases within chr12:4,810,811-4,810,833 gives the same sequence; the c. name uses the placement nearest the transcript's 3' end. VCF-style (leftmost placement, unchanged base first): chr12-4810810-TCCTTCTTTACAGACC-T. GRCh37 (hg19) VCF-style: chr12-4919976-TCCTTCTTTACAGACC-T.
Identifiers: ClinVar variation 4071809 (VCV004071809.1).